The following is an entry in ClinVar:

NM_005334.3(HCFC1):c.1790C>T (p.Ser597Phe)

Gene: HCFC1 (host cell factor C1; minus strand). Cytogenetic location: Xq28.
Variant type: single nucleotide variant.
Coding change: c.1790C>T on transcript NM_005334.3 (MANE Select); coding-DNA position 1790, C replaced by T.
Protein change: p.Ser597Phe; replaces serine 597 with phenylalanine.
Molecular consequence: missense variant.
Genome position (GRCh38, 1-based): chrX:153,958,582, G>A on the plus strand (C>T on the coding strand, the complement: HCFC1 is on the minus strand). VCF-style: chrX-153958582-G-A. GRCh37 (hg19) VCF-style: chrX-153224033-G-A.
Other names: c.1790C>T, p.Ser597Phe (NM_001410705.1); short protein forms S597F.
Identifiers: ClinVar variation 1802270 (VCV001802270.3), dbSNP rs2521636649, ClinGen allele CA415134577.
Genomic context (GRCh38, chrX:153,958,582, plus strand): 5'-TGACTATGCTTGTTTGACCACAGTGACAAGCCCCGGAAGACGCTCACCATGACTGGCGAG[G>A]AGGCCACCTTCACAGTGGCTGGGAGGGTGGTAGTGCCAGGTGTCACAGCCATGGTCTTCA-3'
Protein context (NP_005325.2, residues 587-607): TTLPATVKVA[Ser597Phe]SPVMVSNPAT

ClinVar aggregate classification (germline): Uncertain significance (1 of 4 stars; one submission).

Conditions:
Methylmalonic acidemia with homocystinuria, type cblX (MAHCX). Also called: INTELLECTUAL DEVELOPMENTAL DISORDER, X-LINKED 3. Identifiers: Orphanet 369962, MedGen C0796208, MONDO:0010657, OMIM 309541.

Submission:

Diagnostics Services (NGS), CSIR - Centre For Cellular And Molecular Biology
Classification: Uncertain significance for Methylmalonic acidemia with homocystinuria, type cblX. Last evaluated: 2022-11-21. Review status: criteria provided, single submitter. Criteria: ACMG Guidelines, 2015. Collection method: clinical testing. Allele origin: unknown. Affected: yes. Observed: 1 variant allele, 1 compound heterozygote.
Comment: The c.1790C>T variant is not present in publicly available population databases like 1000 Genomes, ExAC, EVS, gnomAD, Indian Exome Database or our in-house exome database. This variant has neither been published in literature nor reported to clinical databases like ClinVar, Human Genome Mutation Database (HGMD) or OMIM, in any affected individuals. In-silico pathogenicity prediction programs like SIFT, PolyPhen2, MutationTaster2, CADD etc predicted this variant to be likely deleterious, however these predictions were not confirmed by any published functional studies.